The following is an entry in ClinVar:

NM_015512.5(DNAH1):c.6828-6C>G

Gene: DNAH1 (dynein axonemal heavy chain 1; plus strand). Cytogenetic location: 3p21.1.
Variant type: single nucleotide variant.
Coding change: c.6828-6C>G on transcript NM_015512.5 (MANE Select); 6 bases into the intron before coding-DNA position 6828, C replaced by G.
Molecular consequence: intron variant.
Genome position (GRCh38, 1-based): chr3:52,372,890, C>G. VCF-style: chr3-52372890-C-G. GRCh37 (hg19) VCF-style: chr3-52406906-C-G.
Identifiers: ClinVar variation 1906129 (VCV001906129.5), dbSNP rs2471237519, ClinGen allele CA2580070367.

ClinVar aggregate classification (germline): Uncertain significance (1 of 4 stars; one submission).

Conditions:
Spermatogenic failure 18. Identifiers: MedGen C4539783, MONDO:0054615, OMIM 617576.
Ciliary dyskinesia, primary, 37 (CILD37). Also called: CILIARY DYSKINESIA, PRIMARY, 37, WITH OR WITHOUT SITUS INVERSUS. Identifiers: MedGen C4539798, MONDO:0033204, OMIM 617577.

Submission:

Labcorp Genetics (formerly Invitae), Labcorp
Classification: Uncertain significance for Ciliary dyskinesia, primary, 37; Spermatogenic failure 18. Last evaluated: 2022-08-03. Review status: criteria provided, single submitter. Criteria: Invitae Variant Classification Sherloc (09022015). Collection method: clinical testing. Allele origin: germline.
Comment: This sequence change falls in intron 43 of the DNAH1 gene. It does not directly change the encoded amino acid sequence of the DNAH1 protein. This variant is not present in population databases (gnomAD no frequency). This variant has not been reported in the literature in individuals affected with DNAH1-related conditions. Algorithms developed to predict the effect of sequence changes on RNA splicing suggest that this variant may disrupt the consensus splice site. In summary, the available evidence is currently insufficient to determine the role of this variant in disease. Therefore, it has been classified as a Variant of Uncertain Significance.